The following is an entry in ClinVar:

ClinVar aggregate classification (germline): Uncertain significance (1 of 4 stars; one submission).

Submission:

Labcorp Genetics (formerly Invitae), Labcorp
Classification: Uncertain significance. Last evaluated: 2023-11-24. Review status: criteria provided, single submitter. Criteria: Invitae Variant Classification Sherloc (09022015). Collection method: clinical testing. Allele origin: germline.
Comment: This sequence change replaces aspartic acid, which is acidic and polar, with glutamic acid, which is acidic and polar, at codon 183 of the POLR1C protein (p.Asp183Glu). This variant is not present in population databases (gnomAD no frequency). This variant has not been reported in the literature in individuals affected with POLR1C-related conditions. Advanced modeling of protein sequence and biophysical properties (such as structural, functional, and spatial information, amino acid conservation, physicochemical variation, residue mobility, and thermodynamic stability) performed at Invitae indicates that this missense variant is not expected to disrupt POLR1C protein function with a negative predictive value of 80%. In summary, the available evidence is currently insufficient to determine the role of this variant in disease. Therefore, it has been classified as a Variant of Uncertain Significance.

NM_203290.4(POLR1C):c.549T>G (p.Asp183Glu)

Gene: POLR1C (RNA polymerase I and III subunit C; plus strand). Cytogenetic location: 6p21.1.
Variant type: single nucleotide variant.
Coding change: c.549T>G on transcript NM_203290.4 (MANE Select); coding-DNA position 549, T replaced by G.
Protein change: p.Asp183Glu; replaces aspartic acid 183 with glutamic acid.
Molecular consequence: missense variant.
Genome position (GRCh38, 1-based): chr6:43,520,321, T>G. VCF-style: chr6-43520321-T-G. GRCh37 (hg19) VCF-style: chr6-43488059-T-G.
Other names: c.549T>G, p.Asp183Glu (NM_001318876.2, NM_001363658.2); short protein forms D183E.
Identifiers: ClinVar variation 2698479 (VCV002698479.3), dbSNP rs1793082089, ClinGen allele CA364283756.